The following is an entry in ClinVar:

NM_002911.4(UPF1):c.2851A>T (p.Ser951Cys)

Gene: UPF1 (UPF1 RNA helicase and ATPase; plus strand). Cytogenetic location: 19p13.11.
Variant type: single nucleotide variant.
Coding change: c.2851A>T on transcript NM_002911.4 (MANE Select); coding-DNA position 2851, A replaced by T.
Protein change: p.Ser951Cys; replaces serine 951 with cysteine.
Molecular consequence: missense variant.
Genome position (GRCh38, 1-based): chr19:18,864,245, A>T. VCF-style: chr19-18864245-A-T. GRCh37 (hg19) VCF-style: chr19-18975054-A-T.
Other names: c.2884A>T, p.Ser962Cys (NM_001297549.2); short protein forms S951C, S962C.
Identifiers: ClinVar variation 3360850 (VCV003360850.1).

ClinVar aggregate classification (germline): Uncertain significance (1 of 4 stars; one submission).

Submission:

GeneDx
Classification: Uncertain significance. Last evaluated: 2023-07-05. Review status: criteria provided, single submitter. Criteria: GeneDx Variant Classification Process June 2021. Collection method: clinical testing. Allele origin: germline. Affected: yes.
Comment: Not observed at significant frequency in large population cohorts (gnomAD); In silico analysis supports that this missense variant has a deleterious effect on protein structure/function; Has not been previously published as pathogenic or benign to our knowledge